The following is an entry in ClinVar:

NM_001184.4(ATR):c.6719G>C (p.Ser2240Thr)

Gene: ATR (ATR checkpoint kinase; minus strand). Cytogenetic location: 3q23.
Variant type: single nucleotide variant.
Coding change: c.6719G>C on transcript NM_001184.4 (MANE Select); coding-DNA position 6719, G replaced by C.
Protein change: p.Ser2240Thr; replaces serine 2240 with threonine.
Molecular consequence: missense variant.
Genome position (GRCh38, 1-based): chr3:142,466,502, C>G on the plus strand (G>C on the coding strand, the complement: ATR is on the minus strand). VCF-style: chr3-142466502-C-G. GRCh37 (hg19) VCF-style: chr3-142185344-C-G.
Other names: c.6527G>C, p.Ser2176Thr (NM_001354579.2); short protein forms S2240T, S2176T.
Identifiers: ClinVar variation 2766990 (VCV002766990.3), dbSNP rs765461897, ClinGen allele CA354802191.

ClinVar aggregate classification (germline): Uncertain significance (1 of 4 stars; one submission).

Submission:

Labcorp Genetics (formerly Invitae), Labcorp
Classification: Uncertain significance. Last evaluated: 2023-10-08. Review status: criteria provided, single submitter. Criteria: Invitae Variant Classification Sherloc (09022015). Collection method: clinical testing. Allele origin: germline.
Comment: This sequence change replaces serine, which is neutral and polar, with threonine, which is neutral and polar, at codon 2240 of the ATR protein (p.Ser2240Thr). This variant is not present in population databases (gnomAD no frequency). This variant has not been reported in the literature in individuals affected with ATR-related conditions. An algorithm developed to predict the effect of missense changes on protein structure and function (PolyPhen-2) suggests that this variant is likely to be tolerated. In summary, the available evidence is currently insufficient to determine the role of this variant in disease. Therefore, it has been classified as a Variant of Uncertain Significance.